The following is an entry in ClinVar:

ClinVar aggregate classification (germline): Likely pathogenic (1 of 4 stars; one submission).

Conditions:
Brittle cornea syndrome 1 (BCS1). Also called: Corneal fragility keratoglobus, blue sclerae AND joint hypermobility; DYSGENESIS MESODERMALIS CORNEAE ET SCLERAE; CORNEAL FRAGILITY, KERATOGLOBUS, BLUE SCLERAE, JOINT HYPEREXTENSIBILITY; EDS6B; FRAGILITAS OCULI WITH JOINT HYPEREXTENSIBILITY. Identifiers: Orphanet 90354, MedGen C0268344, MONDO:0024543, OMIM 229200.

Submission:

First Genomix Gene Laboratory, Genetic Diagnostics Department
Classification: Likely pathogenic for Brittle cornea syndrome 1. Last evaluated: 2025-03-04. Review status: criteria provided, single submitter. Criteria: ACMG Guidelines, 2015. Collection method: clinical testing. Allele origin: germline. Inheritance: Autosomal recessive inheritance. Affected: no. Observed: 1 variant allele.

NM_001367624.2(ZNF469):c.4440_4545dup (p.Pro1516delinsAlaValArgMetCysArgProSerProGluAspGlyAlaValArgSerThrValProLeuPhePheAlaAlaTer)

Gene: ZNF469 (zinc finger protein 469; plus strand). Cytogenetic location: 16q24.2.
Variant type: Duplication.
Coding change: c.4440_4545dup on transcript NM_001367624.2 (MANE Select); coding-DNA positions 4440 to 4545, 106 bases duplicated.
Protein change: p.Pro1516delinsAlaValArgMetCysArgProSerProGluAspGlyAlaValArgSerThrValProLeuPhePheAlaAlaTer.
Molecular consequence: nonsense.
Genome position (GRCh38, 1-based): chr16:88,431,910-88,432,015, 106 bases duplicated. GRCh37 (hg19): chr16:88,498,318-88,498,423.
Identifiers: ClinVar variation 4845804 (VCV004845804.1).